The following is an entry in ClinVar:

NM_003072.5(SMARCA4):c.755C>T (p.Pro252Leu)

Gene: SMARCA4 (SWI/SNF related BAF chromatin remodeling complex subunit ATPase 4; plus strand). Cytogenetic location: 19p13.2.
Variant type: single nucleotide variant.
Coding change: c.755C>T on transcript NM_003072.5 (MANE Select); coding-DNA position 755, C replaced by T.
Protein change: p.Pro252Leu; replaces proline 252 with leucine.
Molecular consequence: missense variant. On other transcripts: non-coding transcript variant (1).
Genome position (GRCh38, 1-based): chr19:10,986,588, C>T. VCF-style: chr19-10986588-C-T. GRCh37 (hg19) VCF-style: chr19-11097264-C-T.
Other names: c.755C>T, p.Pro252Leu (NM_001128844.3, NM_001128845.2, NM_001128846.2 and 5 more transcripts); short protein forms P252L.
Identifiers: ClinVar variation 537785 (VCV000537785.8), dbSNP rs1316419985, ClinGen allele CA404057328.

ClinVar aggregate classification (germline): Uncertain significance (1 of 4 stars; one submission).

Conditions:
Rhabdoid tumor predisposition syndrome 2 (RTPS2). Identifiers: Orphanet 231108, Orphanet 69077, MedGen C2750074, MONDO:0013224, OMIM 613325.

Allele frequency attached by ClinVar (database versions not stated): gnomAD exomes 0.00001 and below 0.00001.
gnomAD v4.1: 1 of 1,536,216 alleles (0.000065%); highest among the groups gnomAD compares: Non-Finnish European, 0.000087%; no homozygotes.

Submission:

Labcorp Genetics (formerly Invitae), Labcorp
Classification: Uncertain significance for Rhabdoid tumor predisposition syndrome 2. Last evaluated: 2020-07-24. Review status: criteria provided, single submitter. Criteria: Invitae Variant Classification Sherloc (09022015). Collection method: clinical testing. Allele origin: germline.
Comment: In summary, the available evidence is currently insufficient to determine the role of this variant in disease. Therefore, it has been classified as a Variant of Uncertain Significance. Algorithms developed to predict the effect of missense changes on protein structure and function do not agree on the potential impact of this missense change (SIFT: "Deleterious"; PolyPhen-2: "Benign"; Align-GVGD: "Class C35"). This variant has not been reported in the literature in individuals with SMARCA4-related disease. While this variant is not present in population databases, the frequency information is unreliable, as metrics indicate poor data quality at this position in the ExAC database. This sequence change replaces proline with leucine at codon 252 of the SMARCA4 protein (p.Pro252Leu). The proline residue is highly conserved and there is a moderate physicochemical difference between proline and leucine.